The following is an entry in ClinVar:

ClinVar aggregate classification (germline): Uncertain significance (1 of 4 stars; one submission).

Conditions:
Inborn genetic diseases. Identifiers: MedGen C0950123, MeSH D030342.

Allele frequency attached by ClinVar (database versions not stated): gnomAD exomes below 0.00001; ExAC 0.00001.
gnomAD v4.1: 2 of 1,611,578 alleles (0.00012%); highest among the groups gnomAD compares: South Asian, 0.0022%; no homozygotes.

Submission:

Ambry Genetics
Classification: Uncertain significance for Inborn genetic diseases. Last evaluated: 2021-07-15. Review status: criteria provided, single submitter. Criteria: Ambry Variant Classification Scheme 2023. Collection method: clinical testing. Allele origin: germline.
Comment: The p.P1622L variant (also known as c.4865C>T), located in coding exon 34 of the LRRK2 gene, results from a C to T substitution at nucleotide position 4865. The proline at codon 1622 is replaced by leucine, an amino acid with similar properties. This amino acid position is conserved. In addition, the in silico prediction for this alteration is inconclusive. Since supporting evidence is limited at this time, the clinical significance of this alteration remains unclear.

NM_198578.4(LRRK2):c.4865C>T (p.Pro1622Leu)

Gene: LRRK2 (leucine rich repeat kinase 2; plus strand). Cytogenetic location: 12q12.
Variant type: single nucleotide variant.
Coding change: c.4865C>T on transcript NM_198578.4 (MANE Select); coding-DNA position 4865, C replaced by T.
Protein change: p.Pro1622Leu; replaces proline 1622 with leucine.
Molecular consequence: missense variant.
Genome position (GRCh38, 1-based): chr12:40,320,025, C>T. VCF-style: chr12-40320025-C-T. GRCh37 (hg19) VCF-style: chr12-40713827-C-T.
Other names: short protein forms P1622L.
Identifiers: ClinVar variation 1743660 (VCV001743660.2), dbSNP rs751492506, ClinGen allele CA6514311.